The following is an entry in ClinVar:

NM_001846.4(COL4A2):c.310G>A (p.Asp104Asn)

Gene: COL4A2 (collagen type IV alpha 2 chain; plus strand). Cytogenetic location: 13q34.
Variant type: single nucleotide variant.
Coding change: c.310G>A on transcript NM_001846.4 (MANE Select); coding-DNA position 310, G replaced by A.
Protein change: p.Asp104Asn; replaces aspartic acid 104 with asparagine.
Molecular consequence: missense variant.
Genome position (GRCh38, 1-based): chr13:110,424,863, G>A. VCF-style: chr13-110424863-G-A. GRCh37 (hg19) VCF-style: chr13-111077210-G-A.
Other names: c.310G>A (NM_001846.2); short protein forms D104N.
Identifiers: ClinVar variation 2877704 (VCV002877704.4), dbSNP rs376081023, ClinGen allele CA7048827.

ClinVar aggregate classification (germline): Conflicting classifications of pathogenicity. Review status: criteria provided, conflicting classifications (1 of 4 stars). 2 submissions from 2 submitters: Uncertain significance (1); Likely benign (1). Last evaluated 2025-05-25.

Conditions:
Inborn genetic diseases. Identifiers: MedGen C0950123, MeSH D030342.

Allele frequency attached by ClinVar (database versions not stated): TOPMed below 0.00001; ExAC 0.00002; gnomAD 0.00001; ESP Exome Variant Server 0.00008; gnomAD exomes 0.00001.
gnomAD v4.1: 17 of 1,614,046 alleles (0.0011%); highest among the groups gnomAD compares: South Asian, 0.012%; no homozygotes.

Submissions (2):

Ambry Genetics
Classification: Likely benign for Inborn genetic diseases. Last evaluated: 2025-05-25. Review status: criteria provided, single submitter. Criteria: Ambry Variant Classification Scheme 2023. Collection method: clinical testing. Allele origin: germline.

Labcorp Genetics (formerly Invitae), Labcorp
Classification: Uncertain significance. Last evaluated: 2025-02-06. Review status: criteria provided, single submitter. Criteria: Invitae Variant Classification Sherloc (09022015). Collection method: clinical testing. Allele origin: germline.
Comment: This sequence change replaces aspartic acid, which is acidic and polar, with asparagine, which is neutral and polar, at codon 104 of the COL4A2 protein (p.Asp104Asn). This variant is present in population databases (rs376081023, gnomAD 0.01%). This variant has not been reported in the literature in individuals affected with COL4A2-related conditions. ClinVar contains an entry for this variant (Variation ID: 2877704). Invitae Evidence Modeling of protein sequence and biophysical properties (such as structural, functional, and spatial information, amino acid conservation, physicochemical variation, residue mobility, and thermodynamic stability) indicates that this missense variant is not expected to disrupt COL4A2 protein function with a negative predictive value of 95%. In summary, the available evidence is currently insufficient to determine the role of this variant in disease. Therefore, it has been classified as a Variant of Uncertain Significance.